The following is an entry in ClinVar:

NM_000088.4(COL1A1):c.3658G>A (p.Asp1220Asn)

Gene: COL1A1 (collagen type I alpha 1 chain; minus strand). Cytogenetic location: 17q21.33.
Variant type: single nucleotide variant.
Coding change: c.3658G>A on transcript NM_000088.4 (MANE Select); coding-DNA position 3658, G replaced by A.
Protein change: p.Asp1220Asn; replaces aspartic acid 1220 with asparagine.
Molecular consequence: missense variant.
Genome position (GRCh38, 1-based): chr17:50,186,796, C>T on the plus strand (G>A on the coding strand, the complement: COL1A1 is on the minus strand). VCF-style: chr17-50186796-C-T. GRCh37 (hg19) VCF-style: chr17-48264157-C-T.
Other names: short protein forms D1220N.
Identifiers: ClinVar variation 2818165 (VCV002818165.3), dbSNP rs2509164403, ClinGen allele CA400197418.

ClinVar aggregate classification (germline): Uncertain significance (1 of 4 stars; one submission).

Conditions:
Osteogenesis imperfecta type I (OI1). Also called: OI, TYPE I; OSTEOGENESIS IMPERFECTA TARDA; OSTEOGENESIS IMPERFECTA WITH BLUE SCLERAE; Osteogenesis imperfecta type 1; Lobstein's Disease; Lobstein disease. Identifiers: Orphanet 216796, Orphanet 666, MedGen C0023931, MONDO:0008146, OMIM 166200. Disease mechanism: loss of function.

Submission:

Labcorp Genetics (formerly Invitae), Labcorp
Classification: Uncertain significance for Osteogenesis imperfecta type I. Last evaluated: 2022-12-03. Review status: criteria provided, single submitter. Criteria: Invitae Variant Classification Sherloc (09022015). Collection method: clinical testing. Allele origin: germline.
Comment: This sequence change replaces aspartic acid, which is acidic and polar, with asparagine, which is neutral and polar, at codon 1220 of the COL1A1 protein (p.Asp1220Asn). This variant is not present in population databases (gnomAD no frequency). This variant has not been reported in the literature in individuals affected with COL1A1-related conditions. Advanced modeling of protein sequence and biophysical properties (such as structural, functional, and spatial information, amino acid conservation, physicochemical variation, residue mobility, and thermodynamic stability) performed at Invitae indicates that this missense variant is not expected to disrupt COL1A1 protein function. In summary, the available evidence is currently insufficient to determine the role of this variant in disease. Therefore, it has been classified as a Variant of Uncertain Significance.